The following is an entry in ClinVar:

ClinVar aggregate classification (germline): Uncertain significance (1 of 4 stars; one submission).

gnomAD v4.1: 6 of 1,613,056 alleles (0.00037%); highest among the groups gnomAD compares: Admixed American, 0.0017%; no homozygotes.

Submission:

GeneDx
Classification: Uncertain significance. Last evaluated: 2014-06-26. Review status: criteria provided, single submitter. Criteria: GeneDx Variant Classification (06012015). Collection method: clinical testing. Allele origin: germline. Affected: yes.
Comment: Missense variants in the TTN gene are considered 'unclassified' if they are not previously reported in the literature and do not have >1% frequency in the population to be considered a polymorphism. Research indicates that truncating mutations in the TTN gene are expected to account for approximately 25% of familial and 18% of sporadic idiopathic DCM; however, truncating variants in the TTN gene have been reported in approximately 3% of reported control alleles. There has been little investigation into non-truncating variants. (Herman D et al. Truncations of titin causing dilated cardiomyopathy. N Eng J Med 366:619-628, 2012) The variant is found in DCM-CRDM panel(s).

NM_001267550.2(TTN):c.58470T>G (p.Asp19490Glu)

Genes: TTN (titin; minus strand), TTN-AS1 (TTN antisense RNA 1; plus strand). Cytogenetic location: 2q31.2.
Variant type: single nucleotide variant.
Coding change: c.58470T>G on transcript NM_001267550.2 (MANE Select); coding-DNA position 58470, T replaced by G.
Protein change: p.Asp19490Glu; replaces aspartic acid 19490 with glutamic acid.
Molecular consequence: missense variant.
Genome position (GRCh38, 1-based): chr2:178,593,830, A>C on the plus strand (T>G on the coding strand, the complement: TTN is on the minus strand). VCF-style: chr2-178593830-A-C. GRCh37 (hg19) VCF-style: chr2-179458557-A-C.
Other names: p.D17849E:GAT>GAG; c.53547T>G, p.Asp17849Glu (NM_001256850.1); c.31275T>G, p.Asp10425Glu (NM_003319.4); c.50766T>G, p.Asp16922Glu (NM_133378.4); c.31650T>G, p.Asp10550Glu (NM_133432.3); c.31851T>G, p.Asp10617Glu (NM_133437.4); short protein forms D17849E, D19490E, D16922E, D10617E, D10550E, D10425E.
Identifiers: ClinVar variation 202736 (VCV000202736.2), dbSNP rs374118468, ClinGen allele CA310128.